The following is an entry in ClinVar:

NM_004991.4(MECOM):c.896C>G (p.Ala299Gly)

Gene: MECOM (MDS1 and EVI1 complex locus; minus strand). Cytogenetic location: 3q26.2.
Variant type: single nucleotide variant.
Coding change: c.896C>G on transcript NM_004991.4 (MANE Select); coding-DNA position 896, C replaced by G.
Protein change: p.Ala299Gly; replaces alanine 299 with glycine.
Molecular consequence: missense variant.
Genome position (GRCh38, 1-based): chr3:169,122,662, G>C on the plus strand (C>G on the coding strand, the complement: MECOM is on the minus strand). VCF-style: chr3-169122662-G-C. GRCh37 (hg19) VCF-style: chr3-168840450-G-C.
Other names: c.332C>G, p.Ala111Gly (NM_001366469.2, NM_001366470.2, NM_001366471.2 and 9 more transcripts); c.896C>G, p.Ala299Gly (NM_001366473.2, NM_001366466.2); c.524C>G, p.Ala175Gly (NM_001105077.4); short protein forms A111G, A175G, A299G.
Identifiers: ClinVar variation 4824291 (VCV004824291.1).

ClinVar aggregate classification (germline): Uncertain significance (1 of 4 stars; one submission).

Conditions:
Inborn genetic diseases. Identifiers: MedGen C0950123, MeSH D030342.

Submission:

Ambry Genetics
Classification: Uncertain significance for Inborn genetic diseases. Last evaluated: 2026-01-18. Review status: criteria provided, single submitter. Criteria: Ambry Variant Classification Scheme 2023. Collection method: clinical testing. Allele origin: germline.
Comment: The p.A299G variant (also known as c.896C>G), located in coding exon 6 of the MECOM gene, results from a C to G substitution at nucleotide position 896. The alanine at codon 299 is replaced by glycine, an amino acid with similar properties. This amino acid position is conserved. In addition, this alteration is predicted to be tolerated by in silico analysis. Based on the available evidence, the clinical significance of this variant remains unclear.